The following is an entry in ClinVar:

ClinVar aggregate classification (germline): Uncertain significance (1 of 4 stars; one submission).

Allele frequency attached by ClinVar (database versions not stated): gnomAD exomes 0.00001; TOPMed 0.00001; ExAC 0.00002.

Submission:

Labcorp Genetics (formerly Invitae), Labcorp
Classification: Uncertain significance. Last evaluated: 2022-02-19. Review status: criteria provided, single submitter. Criteria: Invitae Variant Classification Sherloc (09022015). Collection method: clinical testing. Allele origin: germline.
Comment: In summary, the available evidence is currently insufficient to determine the role of this variant in disease. Therefore, it has been classified as a Variant of Uncertain Significance. Algorithms developed to predict the effect of missense changes on protein structure and function are either unavailable or do not agree on the potential impact of this missense change (SIFT: "Tolerated"; PolyPhen-2: "Possibly Damaging"; Align-GVGD: "Class C0"). This variant has not been reported in the literature in individuals affected with CTDP1-related conditions. This variant is present in population databases (rs746584267, gnomAD 0.002%). This sequence change replaces glutamic acid, which is acidic and polar, with lysine, which is basic and polar, at codon 930 of the CTDP1 protein (p.Glu930Lys).

NM_004715.5(CTDP1):c.2788G>A (p.Glu930Lys)

Gene: CTDP1 (CTD phosphatase subunit 1; plus strand). Cytogenetic location: 18q23.
Variant type: single nucleotide variant.
Coding change: c.2788G>A on transcript NM_004715.5 (MANE Select); coding-DNA position 2788, G replaced by A.
Protein change: p.Glu930Lys; replaces glutamic acid 930 with lysine.
Molecular consequence: missense variant. On other transcripts: 3 prime UTR variant (2).
Genome position (GRCh38, 1-based): chr18:79,753,692, G>A. VCF-style: chr18-79753692-G-A. GRCh37 (hg19) VCF-style: chr18-77513692-G-A.
Other names: c.2431G>A, p.Glu811Lys (NM_001202504.1); c.*17G>A (NM_001318511.2); c.*21G>A (NM_048368.4); short protein forms E930K, E811K.
Identifiers: ClinVar variation 2099546 (VCV002099546.4), dbSNP rs746584267, ClinGen allele CA9010714.